The following is an entry in ClinVar:

NM_004064.5(CDKN1B):c.338G>C (p.Arg113Pro)

Gene: CDKN1B (cyclin dependent kinase inhibitor 1B; plus strand). Cytogenetic location: 12p13.1.
Variant type: single nucleotide variant.
Coding change: c.338G>C on transcript NM_004064.5 (MANE Select); coding-DNA position 338, G replaced by C.
Protein change: p.Arg113Pro; replaces arginine 113 with proline.
Molecular consequence: missense variant.
Genome position (GRCh38, 1-based): chr12:12,718,177, G>C. VCF-style: chr12-12718177-G-C. GRCh37 (hg19) VCF-style: chr12-12871111-G-C.
Other names: short protein forms R113P.
Identifiers: ClinVar variation 4734079 (VCV004734079.1).

ClinVar aggregate classification (germline): Uncertain significance (1 of 4 stars; one submission).

Conditions:
Multiple endocrine neoplasia type 4. Also called: MULTIPLE ENDOCRINE NEOPLASIA, TYPE IV. Identifiers: Orphanet 276152, MedGen C1970712, MONDO:0012552, OMIM 610755.

Submission:

Labcorp Genetics (formerly Invitae), Labcorp
Classification: Uncertain significance for Multiple endocrine neoplasia type 4. Last evaluated: 2025-12-26. Review status: criteria provided, single submitter. Criteria: Invitae Variant Classification Sherloc (09022015). Collection method: clinical testing. Allele origin: germline.
Comment: This sequence change replaces arginine, which is basic and polar, with proline, which is neutral and non-polar, at codon 113 of the CDKN1B protein (p.Arg113Pro). This variant is not present in population databases (gnomAD no frequency). This variant has not been reported in the literature in individuals affected with CDKN1B-related conditions. An algorithm developed to predict the effect of missense changes on protein structure and function (PolyPhen-2) suggests that this variant is likely to be tolerated. In summary, the available evidence is currently insufficient to determine the role of this variant in disease. Therefore, it has been classified as a Variant of Uncertain Significance.